The following is an entry in ClinVar:

NM_020297.4(ABCC9):c.2867-1G>A

Gene: ABCC9 (ATP binding cassette subfamily C member 9; minus strand). Cytogenetic location: 12p12.1.
Variant type: single nucleotide variant.
Coding change: c.2867-1G>A on transcript NM_020297.4 (MANE Select); the canonical splice acceptor site of the intron before coding-DNA position 2867, G replaced by A.
Molecular consequence: splice acceptor variant.
Genome position (GRCh38, 1-based): chr12:21,845,833, C>T on the plus strand (G>A on the coding strand, the complement: ABCC9 is on the minus strand). VCF-style: chr12-21845833-C-T. GRCh37 (hg19) VCF-style: chr12-21998767-C-T.
Other names: c.2000-1G>A (NM_001377274.1); c.2867-1G>A (NM_005691.4, NM_001377273.1).
Identifiers: ClinVar variation 3667626 (VCV003667626.2).

ClinVar aggregate classification (germline): Likely pathogenic (1 of 4 stars; one submission).

Conditions:
Dilated cardiomyopathy 1O (CMD1O). Also called: CARDIOMYOPATHY, DILATED, WITH VENTRICULAR TACHYCARDIA. Identifiers: Orphanet 154, MedGen C1837839, MONDO:0012062, OMIM 608569.

Submission:

Labcorp Genetics (formerly Invitae), Labcorp
Classification: Likely pathogenic for Dilated cardiomyopathy 1O. Last evaluated: 2024-10-02. Review status: criteria provided, single submitter. Criteria: Invitae Variant Classification Sherloc (09022015). Collection method: clinical testing. Allele origin: germline.
Comment: This sequence change affects an acceptor splice site in intron 23 of the ABCC9 gene. It is expected to disrupt RNA splicing. Variants that disrupt the donor or acceptor splice site typically lead to a loss of protein function (PMID: 16199547), and loss-of-function variants in ABCC9 are known to be pathogenic (PMID: 31575858, 38217872). This variant is not present in population databases (gnomAD no frequency). This variant has not been reported in the literature in individuals affected with ABCC9-related conditions. Algorithms developed to predict the effect of sequence changes on RNA splicing suggest that this variant may disrupt the consensus splice site. In summary, the currently available evidence indicates that the variant is pathogenic, but additional data are needed to prove that conclusively. Therefore, this variant has been classified as Likely Pathogenic.

Literature cited by the submitters: PubMed 16199547; PubMed 31575858; PubMed 38217872.